The following is an entry in ClinVar:

ClinVar aggregate classification (germline): Benign. Review status: criteria provided, multiple submitters, no conflicts (2 of 4 stars). 11 submissions from 10 submitters: Benign (9). 2 of the submissions do not count toward it. Last evaluated 2026-09-21.

Conditions:
Fibromuscular dysplasia, multifocal. Identifiers: MedGen C5543412, MONDO:0859151, OMIM 619329.
Ehlers-Danlos syndrome, classic type, 1 (EDSCL1). Also called: Ehlers-Danlos Syndrome, Classic Type, COL5A1-Related; EHLERS-DANLOS SYNDROME, GRAVIS TYPE; EHLERS-DANLOS SYNDROME, SEVERE CLASSIC TYPE; Ehlers-Danlos syndrome, type 1; EDS I. Identifiers: MedGen C0268335, MONDO:0019567, OMIM 130000.

Allele frequency attached by ClinVar (database versions not stated): gnomAD 0.51337 and 0.51759; TOPMed 0.51795; gnomAD exomes 0.51961 and 0.50245; ExAC 0.52381; 1000 Genomes Project 0.56290; ESP Exome Variant Server 0.52061; 1000 Genomes Project 30x 0.55918.
gnomAD v4.1: 813,192 of 1,612,640 alleles (50%); highest among the groups gnomAD compares: East Asian, 76%; 207,812 homozygotes.

Submissions (12):

Molecular Diagnostic Laboratory for Inherited Cardiovascular Disease, Montreal Heart Institute
Classification: Benign. Last evaluated: 2026-09-21. Review status: criteria provided, single submitter. Criteria: ACMG Guidelines, 2015. Collection method: clinical testing. Allele origin: germline. Affected: no.
Comment: BA1

Labcorp Genetics (formerly Invitae), Labcorp
Classification: Benign for Ehlers-Danlos syndrome, classic type, 1. Last evaluated: 2026-02-04. Review status: criteria provided, single submitter. Criteria: Invitae Variant Classification Sherloc (09022015). Collection method: clinical testing. Allele origin: germline.

Blueprint Genetics
Classification: Benign. Last evaluated: 2024-11-27. Review status: criteria provided, single submitter. Criteria: ACMG Guidelines, 2015. Collection method: clinical testing. Allele origin: germline.

Genome-Nilou Lab
Classification: Benign for Ehlers-Danlos syndrome, classic type, 1. Last evaluated: 2021-07-30. Review status: criteria provided, single submitter. Criteria: ACMG Guidelines, 2015. Collection method: clinical testing. Allele origin: germline. Affected: no.

Genome-Nilou Lab
Classification: Benign for Fibromuscular dysplasia, multifocal. Last evaluated: 2021-07-30. Review status: criteria provided, single submitter. Criteria: ACMG Guidelines, 2015. Collection method: clinical testing. Allele origin: germline. Affected: no.

Women's Health and Genetics/Laboratory Corporation of America, LabCorp
Classification: Benign. Last evaluated: 2017-03-10. Review status: criteria provided, single submitter. Criteria: LabCorp Variant Classification Summary - May 2015. Collection method: clinical testing. Allele origin: germline.
Comment: Variant summary: The COL5A1 c.2952+11A>T variant involves the alteration of a non-conserved intronic nucleotide. One in silico tool predicts a benign outcome for this variant. 3/5 splice prediction tools predict no significant impact on normal splicing. However, these predictions have yet to be confirmed by functional studies. This variant was found in 63233/120718 control chromosomes at a frequency of 0.5238076, which is approximately 419046 times the estimated maximal expected allele frequency of a pathogenic COL5A1 variant (0.0000013), suggesting this variant is likely a benign polymorphism. In addition, multiple clinical diagnostic laboratories/reputable databases classified this variant as benign. The variant of interest has not, to our knowledge, been reported in affected individuals via publications. Taken together, this variant is classified as benign.

GeneDx
Classification: Benign. Last evaluated: 2012-11-02. Review status: criteria provided, single submitter. Criteria: GeneDx Variant Classification (06012015). Collection method: clinical testing. Allele origin: germline. Affected: yes.
Comment: This variant is considered likely benign or benign based on one or more of the following criteria: it is a conservative change, it occurs at a poorly conserved position in the protein, it is predicted to be benign by multiple in silico algorithms, and/or has population frequency not consistent with disease.

Breakthrough Genomics
Classification: Benign. Review status: criteria provided, single submitter. Criteria: ACMG Guidelines, 2015. Collection method: not provided. Allele origin: germline. Inheritance: Autosomal dominant inheritance. Affected: yes.

PreventionGenetics, part of Exact Sciences
Classification: Benign. Review status: criteria provided, single submitter. Criteria: ACMG Guidelines, 2015. Collection method: clinical testing. Allele origin: germline.

Diagnostic Laboratory, Department of Genetics, University Medical Center Groningen
Classification: Benign. Review status: no assertion criteria provided. Collection method: clinical testing. Allele origin: germline. Affected: yes. Study: VKGL Data-share Consensus. Not counted in ClinVar's aggregate classification.

Dr. Peter K. Rogan Lab, Western University
No classification provided (evidence only). Condition: Familial cancer of breast. Review status: no classification provided. Collection method: in vitro. Allele origin: not applicable. Functional consequence: retained intron. Not counted in ClinVar's aggregate classification.

Genome Diagnostics Laboratory, Amsterdam University Medical Center
Classification: Benign. Review status: no assertion criteria provided. Collection method: clinical testing. Allele origin: germline. Affected: yes. Study: VKGL Data-share Consensus. Not counted in ClinVar's aggregate classification.

NM_000093.5(COL5A1):c.2952+11A>T

Gene: COL5A1 (collagen type V alpha 1 chain; plus strand). Cytogenetic location: 9q34.3.
Variant type: single nucleotide variant.
Coding change: c.2952+11A>T on transcript NM_000093.5 (MANE Select); 11 bases into the intron after coding-DNA position 2952, A replaced by T.
Molecular consequence: intron variant.
Genome position (GRCh38, 1-based): chr9:134,798,472, A>T. VCF-style: chr9-134798472-A-T. GRCh37 (hg19) VCF-style: chr9-137690318-A-T.
Other names: c.2952+11A>T (NM_001278074.1).
Identifiers: ClinVar variation 136877 (VCV000136877.24), dbSNP rs4240707, ClinGen allele CA290253.